The following is an entry in ClinVar:

NM_000051.4(ATM):c.4136C>G (p.Pro1379Arg)

Gene: ATM (ATM serine/threonine kinase; plus strand). Cytogenetic location: 11q22.3.
Variant type: single nucleotide variant.
Coding change: c.4136C>G on transcript NM_000051.4 (MANE Select); coding-DNA position 4136, C replaced by G.
Protein change: p.Pro1379Arg; replaces proline 1379 with arginine.
Molecular consequence: missense variant.
Genome position (GRCh38, 1-based): chr11:108,289,003, C>G. VCF-style: chr11-108289003-C-G. GRCh37 (hg19) VCF-style: chr11-108159730-C-G.
Other names: c.4136C>G, p.Pro1379Arg (NM_001351834.2); short protein forms P1379R.
Identifiers: ClinVar variation 3221019 (VCV003221019.1), dbSNP rs2135751182, ClinGen allele CA382529881.
Genomic context (GRCh38, chr11:108,289,003, plus strand): 5'-ACGATGACTGTATTTTTTCCCTTAACTCTGTTAGGGATTTGGATCCTGCTCCTAATCCAC[C>G]TCATTTTCCATCGCATGTGATTAAAGCAACATTTGCCTATATCAGCAATTGTCATAAAAC-3'
Protein context (NP_000042.3, residues 1369-1389): SGDLDPAPNP[Pro1379Arg]HFPSHVIKAT

ClinVar aggregate classification (germline): Uncertain significance (1 of 4 stars; one submission).

Conditions:
Hereditary cancer-predisposing syndrome. Also called: Tumor predisposition; Hereditary neoplastic syndrome; Hereditary Cancer Syndrome; Neoplastic Syndromes, Hereditary. Identifiers: Orphanet 140162, MedGen C0027672, MeSH D009386, MONDO:0015356.

Submission:

Ambry Genetics
Classification: Uncertain significance for Hereditary cancer-predisposing syndrome. Last evaluated: 2023-10-20. Review status: criteria provided, single submitter. Criteria: Ambry Variant Classification Scheme 2023. Collection method: clinical testing. Allele origin: germline.
Comment: The p.P1379R variant (also known as c.4136C>G), located in coding exon 27 of the ATM gene, results from a C to G substitution at nucleotide position 4136. The proline at codon 1379 is replaced by arginine, an amino acid with dissimilar properties. This amino acid position is conserved. In addition, this alteration is predicted to be deleterious by in silico analysis. Since supporting evidence is limited at this time, the clinical significance of this alteration remains unclear.